The following is an entry in ClinVar:

ClinVar aggregate classification (germline): Uncertain significance (1 of 4 stars; one submission).

Conditions:
Fanconi anemia (FA). Also called: Fanconi's anemia. Identifiers: Orphanet 84, MedGen C0015625, MeSH D005199, MONDO:0019391.

gnomAD v4.1: 3 of 1,613,518 alleles (0.00019%); highest among the groups gnomAD compares: Non-Finnish European, 0.00025%; no homozygotes.

Submission:

Labcorp Genetics (formerly Invitae), Labcorp
Classification: Uncertain significance for Fanconi anemia. Last evaluated: 2021-06-24. Review status: criteria provided, single submitter. Criteria: Invitae Variant Classification Sherloc (09022015). Collection method: clinical testing. Allele origin: germline.
Comment: This variant has not been reported in the literature in individuals with FANCI-related conditions. This sequence change replaces asparagine with threonine at codon 528 of the FANCI protein (p.Asn528Thr). The asparagine residue is weakly conserved and there is a small physicochemical difference between asparagine and threonine. This variant is not present in population databases (ExAC no frequency). Algorithms developed to predict the effect of missense changes on protein structure and function (SIFT, PolyPhen-2, Align-GVGD) all suggest that this variant is likely to be tolerated, but these predictions have not been confirmed by published functional studies and their clinical significance is uncertain. In summary, the available evidence is currently insufficient to determine the role of this variant in disease. Therefore, it has been classified as a Variant of Uncertain Significance.

NM_001113378.2(FANCI):c.1583A>C (p.Asn528Thr)

Gene: FANCI (FA complementation group I; plus strand). Cytogenetic location: 15q26.1.
Variant type: single nucleotide variant.
Coding change: c.1583A>C on transcript NM_001113378.2 (MANE Select); coding-DNA position 1583, A replaced by C.
Protein change: p.Asn528Thr; replaces asparagine 528 with threonine.
Molecular consequence: missense variant.
Genome position (GRCh38, 1-based): chr15:89,281,835, A>C. VCF-style: chr15-89281835-A-C. GRCh37 (hg19) VCF-style: chr15-89825066-A-C.
Other names: c.1304A>C, p.Asn435Thr (NM_001376910.1); c.1583A>C, p.Asn528Thr (NM_001376911.1, NM_018193.3); short protein forms N435T, N528T.
Identifiers: ClinVar variation 1404764 (VCV001404764.8), dbSNP rs2151559017, ClinGen allele CA393744802.